The following is an entry in ClinVar:

NM_020975.6(RET):c.241C>G (p.His81Asp)

Gene: RET (ret proto-oncogene; plus strand). Cytogenetic location: 10q11.21.
Variant type: single nucleotide variant.
Coding change: c.241C>G on transcript NM_020975.6 (MANE Select); coding-DNA position 241, C replaced by G.
Protein change: p.His81Asp; replaces histidine 81 with aspartic acid.
Molecular consequence: missense variant. On other transcripts: intron variant (4).
Genome position (GRCh38, 1-based): chr10:43,100,626, C>G. VCF-style: chr10-43100626-C-G. GRCh37 (hg19) VCF-style: chr10-43596074-C-G.
Other names: c.241C>G, p.His81Asp (NM_000323.2, NM_001406743.1, NM_001406744.1 and 34 more transcripts); c.74-8405C>G (NM_001406784.1); c.74-11473C>G (NM_001406794.1, NM_001406792.1, NM_001406793.1); short protein forms H81D.
Identifiers: ClinVar variation 2587888 (VCV002587888.2), dbSNP rs1275748857, ClinGen allele CA376770381.
Genomic context (GRCh38, chr10:43,100,626, plus strand): 5'-GAGGAGGTGCCCAGCTTCCGCCTGGGCCAGCATCTCTACGGCACGTACCGCACACGGCTG[C>G]ATGAGAACAACTGGATCTGCATCCAGGAGGACACCGGCCTCCTCTACCTTAACCGGAGCC-3'
Protein context (NP_066124.1, residues 71-91): HLYGTYRTRL[His81Asp]ENNWICIQED

ClinVar aggregate classification (germline): Uncertain significance (1 of 4 stars; one submission).

Conditions:
Hereditary cancer-predisposing syndrome. Also called: Tumor predisposition; Hereditary Cancer Syndrome; Hereditary neoplastic syndrome; Neoplastic Syndromes, Hereditary. Identifiers: Orphanet 140162, MedGen C0027672, MeSH D009386, MONDO:0015356.

Allele frequency attached by ClinVar (database versions not stated): TOPMed below 0.00001; gnomAD 0.00001.
gnomAD v4.1: 1 of 1,613,750 alleles (0.000062%); highest among the groups gnomAD compares: Non-Finnish European, 0.000085%; no homozygotes.

Submission:

Ambry Genetics
Classification: Uncertain significance for Hereditary cancer-predisposing syndrome. Last evaluated: 2023-08-02. Review status: criteria provided, single submitter. Criteria: Ambry Variant Classification Scheme 2023. Collection method: clinical testing. Allele origin: germline.
Comment: The p.H81D variant (also known as c.241C>G), located in coding exon 2 of the RET gene, results from a C to G substitution at nucleotide position 241. The histidine at codon 81 is replaced by aspartic acid, an amino acid with similar properties. This amino acid position is conserved. In addition, the in silico prediction for this alteration is inconclusive. Since supporting evidence is limited at this time, the clinical significance of this alteration remains unclear.